The following is an entry in ClinVar:

NM_015338.6(ASXL1):c.53G>T (p.Arg18Leu)

Gene: ASXL1 (ASXL transcriptional regulator 1; plus strand). Cytogenetic location: 20q11.21.
Variant type: single nucleotide variant.
Coding change: c.53G>T on transcript NM_015338.6 (MANE Select); coding-DNA position 53, G replaced by T.
Protein change: p.Arg18Leu; replaces arginine 18 with leucine.
Molecular consequence: missense variant.
Genome position (GRCh38, 1-based): chr20:32,358,828, G>T. VCF-style: chr20-32358828-G-T. GRCh37 (hg19) VCF-style: chr20-30946631-G-T.
Other names: c.53G>T, p.Arg18Leu (NM_001164603.1); short protein forms R18L.
Identifiers: ClinVar variation 1327369 (VCV001327369.2), dbSNP rs2122755072, ClinGen allele CA408575467.

ClinVar aggregate classification (germline): Uncertain significance (1 of 4 stars; one submission).

Submission:

GeneDx
Classification: Uncertain significance. Last evaluated: 2021-12-03. Review status: criteria provided, single submitter. Criteria: GeneDx Variant Classification Process June 2021. Collection method: clinical testing. Allele origin: germline. Affected: yes.
Comment: Not observed at significant frequency in large population cohorts (Lek et al., 2016); In silico analysis supports that this missense variant has a deleterious effect on protein structure/function; Has not been previously published as pathogenic or benign to our knowledge